The following is an entry in ClinVar:

NM_001173990.3(TMEM216):c.328C>T (p.Gln110Ter)

Gene: TMEM216 (transmembrane protein 216; plus strand). Cytogenetic location: 11q12.2.
Variant type: single nucleotide variant.
Coding change: c.328C>T on transcript NM_001173990.3 (MANE Select); coding-DNA position 328, C replaced by T.
Protein change: p.Gln110Ter; replaces glutamine 110 with a stop codon.
Molecular consequence: nonsense.
Genome position (GRCh38, 1-based): chr11:61,397,872, C>T. VCF-style: chr11-61397872-C-T. GRCh37 (hg19) VCF-style: chr11-61165344-C-T.
Other names: c.328C>T, p.Gln110Ter (NM_001173991.3); c.145C>T, p.Gln49Ter (NM_001330285.2, NM_016499.6); short protein forms Q110*, Q49*.
Identifiers: ClinVar variation 2023018 (VCV002023018.4), dbSNP rs968023665, ClinGen allele CA222898198.

ClinVar aggregate classification (germline): Pathogenic (1 of 4 stars; one submission).

Conditions:
Joubert syndrome. Also called: CEREBELLOPARENCHYMAL DISORDER IV; JOUBERT-BOLTSHAUSER SYNDROME; Familial aplasia of the vermis. Identifiers: Orphanet 475, MedGen C5979921, MONDO:0018772.

Allele frequency attached by ClinVar (database versions not stated): TOPMed below 0.00001; gnomAD 0.00001.

Submission:

Labcorp Genetics (formerly Invitae), Labcorp
Classification: Pathogenic for Joubert syndrome. Last evaluated: 2022-08-11. Review status: criteria provided, single submitter. Criteria: Invitae Variant Classification Sherloc (09022015). Collection method: clinical testing. Allele origin: germline.
Comment: For these reasons, this variant has been classified as Pathogenic. This variant has not been reported in the literature in individuals affected with TMEM216-related conditions. This variant is present in population databases (no rsID available, gnomAD 0.007%). This sequence change creates a premature translational stop signal (p.Gln110*) in the TMEM216 gene. It is expected to result in an absent or disrupted protein product. Loss-of-function variants in TMEM216 are known to be pathogenic (PMID: 20512146).

Literature cited by the submitters: PubMed 20512146.